The following is an entry in ClinVar:

ClinVar aggregate classification (germline): Conflicting classifications of pathogenicity. Review status: criteria provided, conflicting classifications (1 of 4 stars). 2 submissions from 2 submitters: Uncertain significance (1); Likely benign (1). Last evaluated 2025-08-01.

Conditions:
Familial cold autoinflammatory syndrome 2 (FCAS2). Identifiers: Orphanet 247868, MedGen C2673198, MONDO:0012724, OMIM 611762.

Submissions (2):

Labcorp Genetics (formerly Invitae), Labcorp
Classification: Uncertain significance for Familial cold autoinflammatory syndrome 2. Last evaluated: 2025-08-01. Review status: criteria provided, single submitter. Criteria: Invitae Variant Classification Sherloc (09022015). Collection method: clinical testing. Allele origin: germline.
Comment: This sequence change replaces arginine, which is basic and polar, with tryptophan, which is neutral and slightly polar, at codon 79 of the NLRP12 protein (p.Arg79Trp). This variant is present in population databases (rs777735292, gnomAD 0.006%). This variant has not been reported in the literature in individuals affected with NLRP12-related conditions. Invitae Evidence Modeling of protein sequence and biophysical properties (such as structural, functional, and spatial information, amino acid conservation, physicochemical variation, residue mobility, and thermodynamic stability) indicates that this missense variant is not expected to disrupt NLRP12 protein function with a negative predictive value of 80%. In summary, the available evidence is currently insufficient to determine the role of this variant in disease. Therefore, it has been classified as a Variant of Uncertain Significance.

Blueprint Genetics
Classification: Likely benign. Last evaluated: 2024-11-07. Review status: criteria provided, single submitter. Criteria: ACMG Guidelines, 2015. Collection method: clinical testing. Allele origin: germline.

NM_144687.4(NLRP12):c.235C>T (p.Arg79Trp)

Gene: NLRP12 (NLR family pyrin domain containing 12; minus strand). Cytogenetic location: 19q13.42.
Variant type: single nucleotide variant.
Coding change: c.235C>T on transcript NM_144687.4 (MANE Select); coding-DNA position 235, C replaced by T.
Protein change: p.Arg79Trp; replaces arginine 79 with tryptophan.
Molecular consequence: missense variant.
Genome position (GRCh38, 1-based): chr19:53,823,940, G>A on the plus strand (C>T on the coding strand, the complement: NLRP12 is on the minus strand). VCF-style: chr19-53823940-G-A. GRCh37 (hg19) VCF-style: chr19-54327194-G-A.
Other names: c.235C>T, p.Arg79Trp (NM_001277126.2, NM_001277129.1); short protein forms R79W.
Identifiers: ClinVar variation 4694077 (VCV004694077.2).